The following is an entry in ClinVar:

NM_000334.4(SCN4A):c.2184G>C (p.Glu728Asp)

Genes: SCN4A (sodium voltage-gated channel alpha subunit 4; minus strand), GH-LCR (growth hormone locus control region; plus strand). Cytogenetic location: 17q23.3.
Variant type: single nucleotide variant.
Coding change: c.2184G>C on transcript NM_000334.4 (MANE Select); coding-DNA position 2184, G replaced by C.
Protein change: p.Glu728Asp; replaces glutamic acid 728 with aspartic acid.
Molecular consequence: missense variant.
Genome position (GRCh38, 1-based): chr17:63,957,354, C>G on the plus strand (G>C on the coding strand, the complement: SCN4A is on the minus strand). VCF-style: chr17-63957354-C-G. GRCh37 (hg19) VCF-style: chr17-62034714-C-G.
Other names: short protein forms E728D.
Identifiers: ClinVar variation 1507160 (VCV001507160.8), dbSNP rs779766143, ClinGen allele CA8709644.

ClinVar aggregate classification (germline): Uncertain significance (1 of 4 stars; one submission).

Conditions:
Hyperkalemic periodic paralysis. Also called: Familial hyperkalemic periodic paralysis; Gamstorp disease. Identifiers: Orphanet 682, MedGen C0238357, MONDO:0008224, OMIM 170500, HP:0007215.

Submission:

Labcorp Genetics (formerly Invitae), Labcorp
Classification: Uncertain significance for Hyperkalemic periodic paralysis. Last evaluated: 2020-11-18. Review status: criteria provided, single submitter. Criteria: Invitae Variant Classification Sherloc (09022015). Collection method: clinical testing. Allele origin: germline.
Comment: In summary, the available evidence is currently insufficient to determine the role of this variant in disease. Therefore, it has been classified as a Variant of Uncertain Significance. Algorithms developed to predict the effect of missense changes on protein structure and function output the following: SIFT: "Tolerated"; PolyPhen-2: "Benign"; Align-GVGD: "Class C0". The aspartic acid amino acid residue is found in multiple mammalian species, suggesting that this missense change does not adversely affect protein function. These predictions have not been confirmed by published functional studies and their clinical significance is uncertain. This variant has not been reported in the literature in individuals with SCN4A-related conditions. This variant is present in population databases (rs779766143, ExAC 0.006%). This sequence change replaces glutamic acid with aspartic acid at codon 728 of the SCN4A protein (p.Glu728Asp). The glutamic acid residue is highly conserved and there is a small physicochemical difference between glutamic acid and aspartic acid.